The following is an entry in ClinVar:

NM_000287.4(PEX6):c.195A>T (p.Glu65Asp)

Gene: PEX6 (peroxisomal biogenesis factor 6; minus strand). Cytogenetic location: 6p21.1.
Variant type: single nucleotide variant.
Coding change: c.195A>T on transcript NM_000287.4 (MANE Select); coding-DNA position 195, A replaced by T.
Protein change: p.Glu65Asp; replaces glutamic acid 65 with aspartic acid.
Molecular consequence: missense variant. On other transcripts: non-coding transcript variant (1).
Genome position (GRCh38, 1-based): chr6:42,978,956, T>A on the plus strand (A>T on the coding strand, the complement: PEX6 is on the minus strand). VCF-style: chr6-42978956-T-A. GRCh37 (hg19) VCF-style: chr6-42946694-T-A.
Other names: c.195A>T, p.Glu65Asp (NM_001316313.2); short protein forms E65D.
Identifiers: ClinVar variation 3348531 (VCV003348531.1).

ClinVar aggregate classification (germline): Uncertain significance (0 of 4 stars; one submission).

Conditions:
PEX6-related disorder. Also called: PEX6-related condition; PEX6-related disorders.

Submission:

PreventionGenetics, part of Exact Sciences
Classification: Uncertain significance for PEX6-related condition. Last evaluated: 2024-03-11. Review status: no assertion criteria provided. Collection method: clinical testing. Allele origin: germline.
Comment: The PEX6 c.195A>T variant is predicted to result in the amino acid substitution p.Glu65Asp. To our knowledge, this variant has not been reported in the literature or in a large population database, indicating this variant is rare. At this time, the clinical significance of this variant is uncertain due to the absence of conclusive functional and genetic evidence.